The following is an entry in ClinVar:

ClinVar aggregate classification (germline): Uncertain significance. Review status: criteria provided, multiple submitters, no conflicts (2 of 4 stars). 3 submissions from 3 submitters: Uncertain significance (3). Last evaluated 2022-04-14.

Conditions:
Inborn genetic diseases. Identifiers: MedGen C0950123, MeSH D030342.

Allele frequency attached by ClinVar (database versions not stated): ExAC 0.00006; gnomAD exomes 0.00013; 1000 Genomes Project 30x 0.00016; 1000 Genomes Project 0.00020; ESP Exome Variant Server 0.00023; gnomAD 0.00053 and 0.00056; TOPMed 0.00057.
gnomAD v4.1: 138 of 1,613,786 alleles (0.0086%); highest among the groups gnomAD compares: Admixed American, 0.097%; no homozygotes.

Submissions (3):

Ambry Genetics
Classification: Uncertain significance for Inborn genetic diseases. Last evaluated: 2022-04-14. Review status: criteria provided, single submitter. Criteria: Ambry Variant Classification Scheme 2023. Collection method: clinical testing. Allele origin: germline.

Labcorp Genetics (formerly Invitae), Labcorp
Classification: Uncertain significance. Last evaluated: 2022-02-28. Review status: criteria provided, single submitter. Criteria: Invitae Variant Classification Sherloc (09022015). Collection method: clinical testing. Allele origin: germline.
Comment: This sequence change replaces isoleucine, which is neutral and non-polar, with valine, which is neutral and non-polar, at codon 584 of the VPS13A protein (p.Ile584Val). This variant is present in population databases (rs144871320, gnomAD 0.07%). This variant has not been reported in the literature in individuals affected with VPS13A-related conditions. ClinVar contains an entry for this variant (Variation ID: 452510). Algorithms developed to predict the effect of missense changes on protein structure and function output the following: SIFT: "Tolerated"; PolyPhen-2: "Benign"; Align-GVGD: "Class C0". The valine amino acid residue is found in multiple mammalian species, which suggests that this missense change does not adversely affect protein function. In summary, the available evidence is currently insufficient to determine the role of this variant in disease. Therefore, it has been classified as a Variant of Uncertain Significance.

GeneDx
Classification: Uncertain significance. Last evaluated: 2020-02-06. Review status: criteria provided, single submitter. Criteria: GeneDx Variant Classification Process June 2021. Collection method: clinical testing. Allele origin: germline. Affected: yes.
Comment: In silico analysis supports that this missense variant does not alter protein structure/function; Has not been previously published as pathogenic or benign to our knowledge

NM_033305.3(VPS13A):c.1750A>G (p.Ile584Val)

Gene: VPS13A (vacuolar protein sorting 13 homolog A; plus strand). Cytogenetic location: 9q21.2.
Variant type: single nucleotide variant.
Coding change: c.1750A>G on transcript NM_033305.3 (MANE Select); coding-DNA position 1750, A replaced by G.
Protein change: p.Ile584Val; replaces isoleucine 584 with valine.
Molecular consequence: missense variant.
Genome position (GRCh38, 1-based): chr9:77,238,156, A>G. VCF-style: chr9-77238156-A-G. GRCh37 (hg19) VCF-style: chr9-79853072-A-G.
Other names: c.1750A>G, p.Ile584Val (NM_001018037.2, NM_001018038.3, NM_015186.4); short protein forms I584V.
Identifiers: ClinVar variation 452510 (VCV000452510.6), dbSNP rs144871320, ClinGen allele CA5091767.
Genomic context (GRCh38, chr9:77,238,156, plus strand): 5'-CTTTTCCAAATTACATTTGAGATAAATCCATTAGATGAAACTGTTTCTCAGAGGTGTATC[A>G]TAGAAGCTGAACCTTTAGAAATCATATATGATGCAGTAAGCATTTTTTTAAATTACTAAG-3'
Protein context (NP_150648.2, residues 574-594): LDETVSQRCI[Ile584Val]EAEPLEIIYD